The following is an entry in ClinVar:

NM_001365951.3(KIF1B):c.2396A>G (p.Tyr799Cys)

Gene: KIF1B (kinesin family member 1B; plus strand). Cytogenetic location: 1p36.22.
Variant type: single nucleotide variant.
Coding change: c.2396A>G on transcript NM_001365951.3 (MANE Select); coding-DNA position 2396, A replaced by G.
Protein change: p.Tyr799Cys; replaces tyrosine 799 with cysteine.
Molecular consequence: missense variant.
Genome position (GRCh38, 1-based): chr1:10,323,921, A>G. VCF-style: chr1-10323921-A-G. GRCh37 (hg19) VCF-style: chr1-10383979-A-G.
Other names: c.2396A>G, p.Tyr799Cys (NM_001365952.1); c.2258A>G, p.Tyr753Cys (NM_015074.3); short protein forms Y753C, Y799C.
Identifiers: ClinVar variation 2563644 (VCV002563644.2), dbSNP rs746691649, ClinGen allele CA338334431.

ClinVar aggregate classification (germline): Uncertain significance (1 of 4 stars; one submission).

Submission:

Ambry Genetics
Classification: Uncertain significance. Last evaluated: 2023-05-18. Review status: criteria provided, single submitter. Criteria: Ambry Variant Classification Scheme 2023. Collection method: clinical testing. Allele origin: germline.
Comment: The p.Y753C variant (also known as c.2258A>G), located in coding exon 22 of the KIF1B gene, results from an A to G substitution at nucleotide position 2258. The tyrosine at codon 753 is replaced by cysteine, an amino acid with highly dissimilar properties. This amino acid position is conserved. In addition, this alteration is predicted to be deleterious by in silico analysis. Since supporting evidence is limited at this time, the clinical significance of this alteration remains unclear.